The following is an entry in ClinVar:

ClinVar aggregate classification (germline): Benign (0 of 4 stars; one submission).

Conditions:
STKLD1-related disorder. Also called: STKLD1-related condition.

Allele frequency attached by ClinVar (database versions not stated): 1000 Genomes Project 30x 0.03732; 1000 Genomes Project 0.03734; TOPMed 0.06721; gnomAD 0.07005; ESP Exome Variant Server 0.07066; ExAC 0.08428; gnomAD exomes 0.08794.
gnomAD v4.1: 138,185 of 1,605,314 alleles (8.6%); highest among the groups gnomAD compares: Non-Finnish European, 9.5%; 6,686 homozygotes.

Submission:

PreventionGenetics, part of Exact Sciences
Classification: Benign for STKLD1-related condition. Last evaluated: 2023-02-01. Review status: no assertion criteria provided. Collection method: clinical testing. Allele origin: germline.
Comment: This variant is classified as benign based on ACMG/AMP sequence variant interpretation guidelines (Richards et al. 2015 PMID: 25741868, with internal and published modifications).

NM_153710.5(STKLD1):c.2036T>G (p.Leu679Arg)

Gene: STKLD1 (serine/threonine kinase like domain containing 1; plus strand). Cytogenetic location: 9q34.2.
Variant type: single nucleotide variant.
Coding change: c.2036T>G on transcript NM_153710.5 (MANE Select); coding-DNA position 2036, T replaced by G.
Protein change: p.Leu679Arg; replaces leucine 679 with arginine.
Molecular consequence: missense variant. On other transcripts: non-coding transcript variant (1).
Genome position (GRCh38, 1-based): chr9:133,405,414, T>G. VCF-style: chr9-133405414-T-G. GRCh37 (hg19) VCF-style: chr9-136270538-T-G.
Other names: short protein forms L679R.
Identifiers: ClinVar variation 3060105 (VCV003060105.2), dbSNP rs41302673, ClinGen allele CA200869289.
Genomic context (GRCh38, chr9:133,405,414, plus strand): 5'-GCAAACCAGGCCTCCCTCCAGGTGGAAGCCCCCAGCTGGGGTGCACCACGTCTGGGGGAC[T>G]GGAATAGATGTTTGTATGGAACTGACCTTGATCTCCACGTGTATAGTTTTCAAGACTGCT-3'
Protein context (NP_714921.4, residues 669-680): PQLGCTTSGG[Leu679Arg]E